The following is an entry in ClinVar:

NM_003860.4(BANF1):c.*177G>A

Gene: BANF1 (barrier to autointegration nuclear assembly factor 1; plus strand). Cytogenetic location: 11q13.1.
Variant type: single nucleotide variant.
Coding change: c.*177G>A on transcript NM_003860.4 (MANE Select); 177 bases downstream of the stop codon, G replaced by A.
Molecular consequence: 3 prime UTR variant.
Genome position (GRCh38, 1-based): chr11:66,003,949, G>A. VCF-style: chr11-66003949-G-A. GRCh37 (hg19) VCF-style: chr11-65771420-G-A.
Other names: c.*177G>A (NM_001143985.2).
Identifiers: ClinVar variation 305410 (VCV000305410.6), dbSNP rs148797275, ClinGen allele CA10631239.

ClinVar aggregate classification (germline): Benign. Review status: criteria provided, multiple submitters, no conflicts (2 of 4 stars). 2 submissions from 2 submitters: Benign (2). Last evaluated 2018-01-12.

Conditions:
Nestor-Guillermo progeria syndrome (NGPS). Also called: PROGERIA SYNDROME, CHILDHOOD-ONSET, WITH OSTEOLYSIS. Identifiers: Orphanet 280576, MedGen C3151446, MONDO:0013523, OMIM 614008.

Allele frequency attached by ClinVar (database versions not stated): 1000 Genomes Project 0.00839; TOPMed 0.01458; 1000 Genomes Project 30x 0.00874; gnomAD 0.01534 and 0.01543; gnomAD exomes 0.02091.
gnomAD v4.1: 15,194 of 771,142 alleles (2%); highest among the groups gnomAD compares: Non-Finnish European, 2.5%; 175 homozygotes.

Submissions (2):

Illumina Laboratory Services, Illumina
Classification: Benign for Nestor-Guillermo progeria syndrome. Last evaluated: 2018-01-12. Review status: criteria provided, single submitter. Criteria: ICSL Variant Classification Criteria 13 December 2019. Collection method: clinical testing. Allele origin: germline.
Comment: This variant was observed in the ICSL laboratory as part of a predisposition screen in an ostensibly healthy population. It had not been previously curated by ICSL or reported in the Human Gene Mutation Database (HGMD: prior to June 1st, 2018), and was therefore a candidate for classification through an automated scoring system. Utilizing variant allele frequency, disease prevalence and penetrance estimates, and inheritance mode, an automated score was calculated to assess if this variant is too frequent to cause the disease. Based on the score and internal cut-off values, a variant classified as benign is not then subjected to further curation. The score for this variant resulted in a classification of benign for this disease.

Breakthrough Genomics
Classification: Benign. Review status: criteria provided, single submitter. Criteria: ACMG Guidelines, 2015. Collection method: not provided. Allele origin: germline. Inheritance: Autosomal recessive inheritance. Affected: yes.